The following is an entry in ClinVar:

NM_000053.4(ATP7B):c.1607T>C (p.Val536Ala)

Gene: ATP7B (ATPase copper transporting beta; minus strand). Cytogenetic location: 13q14.3.
Variant type: single nucleotide variant.
Coding change: c.1607T>C on transcript NM_000053.4 (MANE Select); coding-DNA position 1607, T replaced by C.
Protein change: p.Val536Ala; replaces valine 536 with alanine.
Molecular consequence: missense variant.
Genome position (GRCh38, 1-based): chr13:51,968,544, A>G on the plus strand (T>C on the coding strand, the complement: ATP7B is on the minus strand). VCF-style: chr13-51968544-A-G. GRCh37 (hg19) VCF-style: chr13-52542680-A-G.
Other names: c.1607T>C, p.Val536Ala (NM_001005918.3, NM_001330578.2, NM_001330579.2); c.1274T>C, p.Val425Ala (NM_001243182.2); short protein forms V536A, V425A.
Identifiers: ClinVar variation 35703 (VCV000035703.78), dbSNP rs138427376, ClinGen allele CA260129.

ClinVar aggregate classification (germline): Conflicting classifications of pathogenicity. Review status: criteria provided, conflicting classifications (1 of 4 stars). 19 submissions from 19 submitters: Uncertain significance (3); Benign (3); Likely benign (8). 5 of the submissions do not count toward it. Last evaluated 2026-09-01.

Conditions:
ATP7B-related disorder. Also called: ATP7B-related condition.
Inborn genetic diseases. Identifiers: MedGen C0950123, MeSH D030342.
Wilson disease (WND). Also called: Wilson's disease. Identifiers: Orphanet 905, MedGen C0019202, MONDO:0010200, OMIM 277900. Disease mechanism: loss of function.

Allele frequency attached by ClinVar (database versions not stated): 1000 Genomes Project 30x 0.00125; ExAC 0.00298; gnomAD 0.00329 and 0.00342; 1000 Genomes Project 0.00160; ESP Exome Variant Server 0.00222; gnomAD exomes 0.00319 and 0.00458; TOPMed 0.00239.
gnomAD v4.1: 7,149 of 1,613,854 alleles (0.44%); highest among the groups gnomAD compares: Non-Finnish European, 0.52%; 25 homozygotes.

Submissions (19):

CeGaT Center for Human Genetics Tuebingen
Classification: Likely benign. Last evaluated: 2026-09-01. Review status: criteria provided, single submitter. Criteria: CeGaT Center For Human Genetics Tuebingen Variant Classification Criteria Version 2. Collection method: clinical testing. Allele origin: germline. Affected: yes. Observed: 27 variant alleles.
Comment: ATP7B: BP4, BS2

Labcorp Genetics (formerly Invitae), Labcorp
Classification: Benign for Wilson disease. Last evaluated: 2026-02-04. Review status: criteria provided, single submitter. Criteria: Invitae Variant Classification Sherloc (09022015). Collection method: clinical testing. Allele origin: germline.

Mayo Clinic Laboratories, Mayo Clinic
Classification: Likely benign. Last evaluated: 2025-12-12. Review status: criteria provided, single submitter. Criteria: ACMG Guidelines, 2015. Collection method: clinical testing. Allele origin: germline. Observed: 15 variant alleles.
Comment: BS1

Women's Health and Genetics/Laboratory Corporation of America, LabCorp
Classification: Likely benign. Last evaluated: 2025-12-01. Review status: criteria provided, single submitter. Criteria: LabCorp Variant Classification Summary - May 2015. Collection method: clinical testing. Allele origin: germline.
Comment: Variant summary: ATP7B c.1607T>C (p.Val536Ala) results in a non-conservative amino acid change located in the Heavy-metal-associated domain (HMA) of the encoded protein sequence. Algorithms developed to predict the effect of missense changes on protein structure and function are either unavailable or do not agree on the potential impact of this missense change. The variant allele was found at a frequency of 0.0033 in 280825 control chromosomes, predominantly at a frequency of 0.011 within the Non-Finnish European subpopulation in the gnomAD database, including 1 homozygotes. The observed variant frequency within Non-Finnish European control individuals in the gnomAD database exceeds the estimated maximal expected allele frequency for disease-causing variants in ATP7B. c.1607T>C has been observed in at least one individual affected with Wilson Disease (Davies_2008) and unaffected individuals (Stattermayer_2019). These reports do not provide unequivocal conclusions about association of the variant with Wilson Disease. To our knowledge, no experimental evidence demonstrating an impact on protein function has been reported. The following publications have been ascertained in the context of this evaluation (PMID: 25637381, 23518715, 30097039, 18373411, 23235335, 20465995, 21794208, 24253677, 31169307, 32248359). ClinVar contains an entry for this variant (Variation ID: 35703). Based on the evidence outlined above, the variant was classified as likely benign.

ARUP Laboratories, Molecular Genetics and Genomics, ARUP Laboratories
Classification: Likely benign for Wilson disease. Last evaluated: 2025-06-05. Review status: criteria provided, single submitter. Criteria: ARUP Molecular Germline Variant Investigation Process 2024. Collection method: clinical testing. Allele origin: germline.

Blueprint Genetics
Classification: Likely benign. Last evaluated: 2024-11-21. Review status: criteria provided, single submitter. Criteria: ACMG Guidelines, 2015. Collection method: clinical testing. Allele origin: germline.

GeneDx
Classification: Likely benign. Last evaluated: 2021-06-21. Review status: criteria provided, single submitter. Criteria: GeneDx Variant Classification Process June 2021. Collection method: clinical testing. Allele origin: germline. Affected: yes.
Comment: In silico analysis supports that this missense variant does not alter protein structure/function; Observed in at least one homozygous individual in large population cohorts (Lek et al., 2016); This variant is associated with the following publications: (PMID: 25637381, 20465995, 32248359, 18373411, 23235335, 21794208, 24253677, 30097039, 23518715, 31169307)

Genome-Nilou Lab
Classification: Uncertain significance for Wilson disease. Last evaluated: 2021-05-18. Review status: criteria provided, single submitter. Criteria: ACMG Guidelines, 2015. Collection method: clinical testing. Allele origin: germline. Affected: no.

Color Diagnostics, LLC DBA Color Health
Classification: Likely benign for Wilson disease. Last evaluated: 2019-04-23. Review status: criteria provided, single submitter. Criteria: ACMG Guidelines, 2015. Collection method: clinical testing. Allele origin: germline.

Illumina Laboratory Services, Illumina
Classification: Uncertain significance for Wilson disease. Last evaluated: 2018-07-10. Review status: criteria provided, single submitter. Criteria: ICSL Variant Classification Criteria 13 December 2019. Collection method: clinical testing. Allele origin: germline.
Comment: This variant was observed as part of a predisposition screen in an ostensibly healthy population. A literature search was performed for the gene, cDNA change, and amino acid change (where applicable). Publications were found based on this search. However, the evidence from the literature, in combination with allele frequency data from public databases where available, was not sufficient to rule this variant in or out of causing disease. Therefore, this variant is classified as a variant of unknown significance.

Center for Pediatric Genomic Medicine, Children's Mercy Hospital and Clinics
Classification: Likely benign. Last evaluated: 2017-09-06. Review status: criteria provided, single submitter. Criteria: ACMG Guidelines, 2015. Collection method: clinical testing. Allele origin: germline.

Ambry Genetics
Classification: Benign for Inborn genetic diseases. Last evaluated: 2016-08-31. Review status: criteria provided, single submitter. Criteria: Ambry Variant Classification Scheme 2023. Collection method: clinical testing. Allele origin: germline.

Eurofins Ntd Llc (ga)
Classification: Benign. Last evaluated: 2016-05-02. Review status: criteria provided, single submitter. Criteria: EGL Classification Definitions 2015. Collection method: clinical testing. Allele origin: germline. Observed: 4 variant alleles, 4 heterozygotes.

CSER _CC_NCGL, University of Washington
Classification: Uncertain significance for Wilson disease. Last evaluated: 2014-06-01. Review status: criteria provided, single submitter. Criteria: Amendola et al. (Genome Res. 2015). Collection method: research. Allele origin: germline. Inheritance: Autosomal recessive inheritance. Study: ESP 6500 variant annotation.
Comment: Low GERP score may suggest that this variant belongs in a lower pathogenicity class

Variants classified for the Actionable exomic incidental findings in 6503 participants: challenges of variant classification manuscript

Natera, Inc.
Classification: Likely benign for Wilson disease. Last evaluated: 2020-04-15. Review status: no assertion criteria provided. Collection method: clinical testing. Allele origin: germline. Not counted in ClinVar's aggregate classification.

PreventionGenetics, part of Exact Sciences
Classification: Likely benign for ATP7B-related condition. Last evaluated: 2019-09-23. Review status: no assertion criteria provided. Collection method: clinical testing. Allele origin: germline. Not counted in ClinVar's aggregate classification.
Comment: This variant is classified as likely benign based on ACMG/AMP sequence variant interpretation guidelines (Richards et al. 2015 PMID: 25741868, with internal and published modifications).

Counsyl
Classification: Likely benign for Wilson disease. Last evaluated: 2017-12-28. Review status: no assertion criteria provided. Collection method: clinical testing. Allele origin: unknown. Not counted in ClinVar's aggregate classification.

Clinical Genetics DNA and cytogenetics Diagnostics Lab, Erasmus MC, Erasmus Medical Center
Classification: Likely benign. Review status: no assertion criteria provided. Collection method: clinical testing. Allele origin: germline. Affected: yes. Study: VKGL Data-share Consensus. Not counted in ClinVar's aggregate classification.

Genome Diagnostics Laboratory, Amsterdam University Medical Center
Classification: Likely benign. Review status: no assertion criteria provided. Collection method: clinical testing. Allele origin: germline. Affected: yes. Study: VKGL Data-share Consensus. Not counted in ClinVar's aggregate classification.

Literature cited by the submitters: PubMed 30097039 (cited by Mayo Clinic Laboratories, Mayo Clinic and Women's Health and Genetics/Laboratory Corporation of America, LabCorp); PubMed 31169307 (cited by Mayo Clinic Laboratories, Mayo Clinic and Women's Health and Genetics/Laboratory Corporation of America, LabCorp); PubMed 32248359 (cited by Mayo Clinic Laboratories, Mayo Clinic and Women's Health and Genetics/Laboratory Corporation of America, LabCorp); PubMed 36299693 (cited by Mayo Clinic Laboratories, Mayo Clinic); PubMed 37937776 (cited by Mayo Clinic Laboratories, Mayo Clinic); PubMed 18373411 (cited by 4 submitters); PubMed 20465995 (cited by Women's Health and Genetics/Laboratory Corporation of America, LabCorp); PubMed 21794208 (cited by Women's Health and Genetics/Laboratory Corporation of America, LabCorp); PubMed 23518715 (cited by 3 submitters); PubMed 23235335 (cited by Women's Health and Genetics/Laboratory Corporation of America, LabCorp); PubMed 24253677 (cited by Women's Health and Genetics/Laboratory Corporation of America, LabCorp); PubMed 25637381 (cited by Women's Health and Genetics/Laboratory Corporation of America, LabCorp).